The following is an entry in ClinVar:

NM_147127.5(EVC2):c.2518G>A (p.Val840Ile)

Gene: EVC2 (EvC ciliary complex subunit 2; minus strand). Cytogenetic location: 4p16.2.
Variant type: single nucleotide variant.
Coding change: c.2518G>A on transcript NM_147127.5 (MANE Select); coding-DNA position 2518, G replaced by A.
Protein change: p.Val840Ile; replaces valine 840 with isoleucine.
Molecular consequence: missense variant.
Genome position (GRCh38, 1-based): chr4:5,618,666, C>T on the plus strand (G>A on the coding strand, the complement: EVC2 is on the minus strand). VCF-style: chr4-5618666-C-T. GRCh37 (hg19) VCF-style: chr4-5620393-C-T.
Other names: c.2278G>A, p.Val760Ile (NM_001166136.2); short protein forms V840I, V760I.
Identifiers: ClinVar variation 1442791 (VCV001442791.9), dbSNP rs2108833529, ClinGen allele CA356143654.
Genomic context (GRCh38, chr4:5,618,666, plus strand): 5'-CAAAGCAGCCATGGACCTCCTGCCTCATCCTGAGCAGCTCCTCTTCAGACAGGGAGAAGA[C>T]TGAGGAGCAGAGCTTCCTGGGAGGAAGAACAGAGACACACTCTTAACACAGAGAAAGCCT-3'
Protein context (NP_667338.3, residues 830-850): HLIFMKLCSS[Val840Ile]FSLSEEELLR

ClinVar aggregate classification (germline): Uncertain significance (1 of 4 stars; one submission).

Conditions:
Ellis-van Creveld syndrome (EVC). Also called: EVC-Related Ellis-van Creveld Syndrome; EVC2-Related Ellis-van Creveld Syndrome; MESOECTODERMAL DYSPLASIA; Chondroectodermal dysplasia. Identifiers: Orphanet 289, MedGen C0013903, MONDO:0009162, OMIM 225500.
Curry-Hall syndrome (WAD). Also called: WEYERS ACRODENTAL DYSOSTOSIS. Identifiers: Orphanet 952, MedGen C0457013, MONDO:0008673, OMIM 193530.

gnomAD v4.1: 1 of 1,603,662 alleles (0.000062%); highest among the groups gnomAD compares: Non-Finnish European, 0.000085%; no homozygotes.

Submission:

Labcorp Genetics (formerly Invitae), Labcorp
Classification: Uncertain significance for Curry-Hall syndrome; Ellis-van Creveld syndrome. Last evaluated: 2023-10-03. Review status: criteria provided, single submitter. Criteria: Invitae Variant Classification Sherloc (09022015). Collection method: clinical testing. Allele origin: germline.
Comment: This sequence change replaces valine, which is neutral and non-polar, with isoleucine, which is neutral and non-polar, at codon 840 of the EVC2 protein (p.Val840Ile). This variant is not present in population databases (gnomAD no frequency). This variant has not been reported in the literature in individuals affected with EVC2-related conditions. ClinVar contains an entry for this variant (Variation ID: 1442791). An algorithm developed to predict the effect of missense changes on protein structure and function (PolyPhen-2) suggests that this variant is likely to be tolerated. In summary, the available evidence is currently insufficient to determine the role of this variant in disease. Therefore, it has been classified as a Variant of Uncertain Significance.